The following is an entry in ClinVar:

NM_001356.5(DDX3X):c.1026-8C>G

Gene: DDX3X (DEAD-box helicase 3 X-linked; plus strand). Cytogenetic location: Xp11.4.
Variant type: single nucleotide variant.
Coding change: c.1026-8C>G on transcript NM_001356.5 (MANE Select); 8 bases into the intron before coding-DNA position 1026, C replaced by G.
Molecular consequence: intron variant.
Genome position (GRCh38, 1-based): chrX:41,345,172, C>G. VCF-style: chrX-41345172-C-G. GRCh37 (hg19) VCF-style: chrX-41204425-C-G.
Other names: c.1026-8C>G (NM_001193416.3); c.978-8C>G (NM_001193417.3); c.468-8C>G (NM_001363819.1).
Identifiers: ClinVar variation 3387841 (VCV003387841.14).

ClinVar aggregate classification (germline): Uncertain significance (1 of 4 stars; one submission).

Submission:

CeGaT Center for Human Genetics Tuebingen
Classification: Uncertain significance. Last evaluated: 2024-09-01. Review status: criteria provided, single submitter. Criteria: CeGaT Center For Human Genetics Tuebingen Variant Classification Criteria Version 2. Collection method: clinical testing. Allele origin: germline. Affected: yes. Observed: 1 variant allele.
Comment: DDX3X: PM2, PP3